The following is an entry in ClinVar:

NM_001382391.1(CSPP1):c.2464GAA[3] (p.Glu825del)

Gene: CSPP1 (centrosome and spindle pole associated protein 1; plus strand). Cytogenetic location: 8q13.2.
Variant type: Microsatellite.
Coding change: c.2464GAA[3] on transcript NM_001382391.1 (MANE Select); three copies in a row of the 3-base unit GAA starting at c.2464; the reference has four copies in a row; one copy, 3 bases deleted.
Protein change: p.Glu825del; deletes glutamic acid 825.
Molecular consequence: inframe deletion. On other transcripts: inframe indel (1).
Genome position (GRCh38, 1-based): chr8:67,159,072-67,159,074, GAA deleted; deleting any 3 consecutive bases within chr8:67,159,061-67,159,074 gives the same sequence; the position shown is the placement nearest the transcript's 3' end. VCF-style (leftmost placement, unchanged base first): chr8-67159060-AAAG-A. GRCh37 (hg19) VCF-style: chr8-68071295-AAAG-A.
Other names: c.1414GAA[3], p.Glu475del (NM_001291339.2); c.2383GAA[3], p.Glu798del (NM_001363131.2); c.2269GAA[3], p.Glu760del (NM_001363132.2); c.2188GAA[3], p.Glu733del (NM_001363133.2); c.2530GAA[3], p.Glu847del (NM_001364869.1); c.2350GAA[3], p.Glu787del (NM_001364870.1); c.2449_2451GAA[3], p.Glu820del (NM_024790.7); short protein forms E847del, E475del, E733del, E760del, E787del, E798del, E820del, E825del.
Identifiers: ClinVar variation 1022625 (VCV001022625.6), dbSNP rs750079297, ClinGen allele CA4770842.
Genomic context (GRCh38, chr8:67,159,060, plus strand): 5'-AAAAATGAAGAGCATATTCGGTTAGCTGAAGAAAGACAAAAAGAAGCAGAAAGAAAGAAG[AAAG>A]AAGAAGAAGAAAAATATAACCTGCAACTTCAGCACTACTGTGAAAGAGACAATTTGATTG-3'

ClinVar aggregate classification (germline): Uncertain significance (1 of 4 stars; one submission).

Conditions:
Joubert syndrome 21 (JBTS21). Identifiers: MedGen C3810212, MONDO:0014288, OMIM 615636.

Submission:

Labcorp Genetics (formerly Invitae), Labcorp
Classification: Uncertain significance for Joubert syndrome 21. Last evaluated: 2022-02-04. Review status: criteria provided, single submitter. Criteria: Invitae Variant Classification Sherloc (09022015). Collection method: clinical testing. Allele origin: germline.
Comment: This variant, c.2458_2460del, results in the deletion of 1 amino acid(s) of the CSPP1 protein (p.Glu820del), but otherwise preserves the integrity of the reading frame. The frequency data for this variant in the population databases is considered unreliable, as metrics indicate poor data quality at this position in the gnomAD database. This variant has not been reported in the literature in individuals affected with CSPP1-related conditions. Experimental studies and prediction algorithms are not available or were not evaluated, and the functional significance of this variant is currently unknown. In summary, the available evidence is currently insufficient to determine the role of this variant in disease. Therefore, it has been classified as a Variant of Uncertain Significance.